The following is an entry in ClinVar:

NM_007254.4(PNKP):c.820A>G (p.Asn274Asp)

Gene: PNKP (polynucleotide kinase 3'-phosphatase; minus strand). Cytogenetic location: 19q13.33.
Variant type: single nucleotide variant.
Coding change: c.820A>G on transcript NM_007254.4 (MANE Select); coding-DNA position 820, A replaced by G.
Protein change: p.Asn274Asp; replaces asparagine 274 with aspartic acid.
Molecular consequence: missense variant.
Genome position (GRCh38, 1-based): chr19:49,862,735, T>C on the plus strand (A>G on the coding strand, the complement: PNKP is on the minus strand). VCF-style: chr19-49862735-T-C. GRCh37 (hg19) VCF-style: chr19-50365992-T-C.
Other names: short protein forms N274D.
Identifiers: ClinVar variation 1385362 (VCV001385362.3), dbSNP rs1463305699, ClinGen allele CA406882462.
Genomic context (GRCh38, chr19:49,862,735, plus strand): 5'-CCTCCAGGCCCTTACCTCCCACAAAGATGCTGTCCCCGATGGATATGGGCGTGCCGTCGT[T>C]GGCCTACGGGAGACGGTAGTGAGGAGGCCCTTCCCACAAATGTCCCCCCGCAGCGGTAGC-3'
Protein context (NP_009185.2, residues 264-284): GMWDHLQEQA[Asn274Asp]DGTPISIGDS

ClinVar aggregate classification (germline): Uncertain significance (1 of 4 stars; one submission).

Conditions:
Developmental and epileptic encephalopathy, 12 (DEE12). Identifiers: MedGen C3150988, MONDO:0013389, OMIM 613722.

Allele frequency attached by ClinVar (database versions not stated): gnomAD exomes below 0.00001.
gnomAD v4.1: 1 of 1,614,076 alleles (0.000062%); highest among the groups gnomAD compares: Non-Finnish European, 0.000085%; no homozygotes.

Submission:

Labcorp Genetics (formerly Invitae), Labcorp
Classification: Uncertain significance for Developmental and epileptic encephalopathy, 12. Last evaluated: 2021-10-12. Review status: criteria provided, single submitter. Criteria: Invitae Variant Classification Sherloc (09022015). Collection method: clinical testing. Allele origin: germline.
Comment: This sequence change replaces asparagine with aspartic acid at codon 274 of the PNKP protein (p.Asn274Asp). The asparagine residue is highly conserved and there is a small physicochemical difference between asparagine and aspartic acid. This variant is not present in population databases (ExAC no frequency). This variant has not been reported in the literature in individuals affected with PNKP-related conditions. Algorithms developed to predict the effect of missense changes on protein structure and function are either unavailable or do not agree on the potential impact of this missense change (SIFT: "Deleterious"; PolyPhen-2: "Probably Damaging"; Align-GVGD: "Class C15"). In summary, the available evidence is currently insufficient to determine the role of this variant in disease. Therefore, it has been classified as a Variant of Uncertain Significance.